The following is an entry in ClinVar:

ClinVar aggregate classification (germline): Pathogenic (1 of 4 stars; one submission).

Conditions:
KBG syndrome (KBGS). Also called: ANKRD11-Related KBG Syndrome. Identifiers: Orphanet 2332, MedGen C0220687, MONDO:0007846, OMIM 148050.

Submission:

Victorian Clinical Genetics Services, Murdoch Childrens Research Institute
Classification: Pathogenic for KBG syndrome. Last evaluated: 2026-06-02. Review status: criteria provided, single submitter. Criteria: ACMG Guidelines, 2015. Collection method: clinical testing. Allele origin: germline. Affected: yes.
Comment: This variant is classified as Pathogenic. Evidence in support of pathogenic classification: Variant is predicted to cause nonsense-mediated decay (NMD) and loss of protein (premature termination codon is located at least 54 nucleotides upstream of the final exon-exon junction); Variant is absent from gnomAD (v2, v3 and v4); Other NMD-predicted variant(s) comparable to the one identified in this case have very strong previous evidence for pathogenicity (DECIPHER). Additional information: This variant is heterozygous; This gene is associated with autosomal dominant disease; This variant has no previous evidence of pathogenicity; No published evidence of segregation with disease has been identified for this variant; No published functional evidence has been identified for this variant; Loss of function is a known mechanism of disease in this gene and is associated with KBG syndrome (MIM#148050); Variants in this gene are known to have variable expressivity. Intrafamilial variability is commonly reported (PMID: 29258554).

Literature cited by the submitters: PubMed 29258554.

NM_013275.6(ANKRD11):c.2428del (p.Glu810fs)

Gene: ANKRD11 (ankyrin repeat domain 11; minus strand). Cytogenetic location: 16q24.3.
Variant type: Deletion.
Coding change: c.2428del on transcript NM_013275.6 (MANE Select); coding-DNA position 2428, one base deleted (G; older notation c.2428delG).
Protein change: p.Glu810fs; shifts the reading frame from glutamic acid 810.
Molecular consequence: frameshift variant.
Genome position (GRCh38, 1-based): chr16:89,284,114, C deleted on the plus strand (G on the coding strand, the reverse complement: ANKRD11 is on the minus strand); the first of 3 consecutive C bases (chr16:89,284,114-89,284,116); deleting any one gives the same sequence. VCF-style (leftmost placement, unchanged base first): chr16-89284113-TC-T. GRCh37 (hg19) VCF-style: chr16-89350521-TC-T.
Other names: c.2428del, p.Glu810fs (NM_001256182.2, NM_001256183.2); short protein forms E810fs.
Identifiers: ClinVar variation 4879642 (VCV004879642.1).